The following is an entry in ClinVar:

ClinVar aggregate classification (germline): Uncertain significance (1 of 4 stars; one submission).

gnomAD v4.1: 1 of 1,614,208 alleles (0.000062%); no homozygotes.

Submission:

Ambry Genetics
Classification: Uncertain significance. Last evaluated: 2022-03-16. Review status: criteria provided, single submitter. Criteria: Ambry Variant Classification Scheme 2023. Collection method: clinical testing. Allele origin: germline.
Comment: The p.I1293L variant (also known as c.3877A>T), located in coding exon 4 of the ALPK2 gene, results from an A to T substitution at nucleotide position 3877. The isoleucine at codon 1293 is replaced by leucine, an amino acid with highly similar properties. This amino acid position is conserved. In addition, this alteration is predicted to be tolerated by in silico analysis. Since supporting evidence is limited at this time, the clinical significance of this alteration remains unclear.

NM_052947.4(ALPK2):c.3877A>T (p.Ile1293Leu)

Genes: ALPK2 (alpha kinase 2; minus strand), LOC126862764 (BRD4-independent group 4 enhancer GRCh37_chr18:56202574-56203773; plus strand). Cytogenetic location: 18q21.31.
Variant type: single nucleotide variant.
Coding change: c.3877A>T on transcript NM_052947.4 (MANE Select); coding-DNA position 3877, A replaced by T.
Protein change: p.Ile1293Leu; replaces isoleucine 1293 with leucine.
Molecular consequence: missense variant.
Genome position (GRCh38, 1-based): chr18:58,536,310, T>A on the plus strand (A>T on the coding strand, the complement: ALPK2 is on the minus strand). VCF-style: chr18-58536310-T-A. GRCh37 (hg19) VCF-style: chr18-56203542-T-A.
Other names: short protein forms I1293L.
Identifiers: ClinVar variation 1735758 (VCV001735758.2), dbSNP rs2518875806, ClinGen allele CA402565311.
Genomic context (GRCh38, chr18:58,536,310, plus strand): 5'-TTTCTCTGCTATCAGCAAGGGCTGACTCAGCATCCTCTGGACTGTGAGCCAATGCTGCTA[T>A]TTCAGAGGGGGCCAATTCAGGCACAACAGCATCTGCCTTTAGACTATCAGGTACAGCCCA-3'
Protein context (NP_443179.3, residues 1283-1303): AVVPELAPSE[Ile1293Leu]AALAHSPEDA